The following is an entry in ClinVar:

ClinVar aggregate classification (germline): Uncertain significance (1 of 4 stars; one submission).

Submission:

Labcorp Genetics (formerly Invitae), Labcorp
Classification: Uncertain significance. Last evaluated: 2025-12-18. Review status: criteria provided, single submitter. Criteria: Invitae Variant Classification Sherloc (09022015). Collection method: clinical testing. Allele origin: germline.
Comment: This sequence change replaces isoleucine, which is neutral and non-polar, with valine, which is neutral and non-polar, at codon 2261 of the FN1 protein (p.Ile2261Val). This variant is present in population databases (no rsID available, gnomAD 0.04%). This variant has not been reported in the literature in individuals affected with FN1-related conditions. Experimental studies and prediction algorithms are not available or were not evaluated, and the functional significance of this variant is currently unknown. In summary, the available evidence is currently insufficient to determine the role of this variant in disease. Therefore, it has been classified as a Variant of Uncertain Significance.

NM_212482.4(FN1):c.6781= (p.Val2261=)

Gene: FN1 (fibronectin 1; minus strand). Cytogenetic location: 2q35.
Variant type: Variation.
Coding change: c.6781= on transcript NM_212482.4 (MANE Select); coding-DNA position 6781, no change from the reference sequence.
Protein change: p.Val2261=; no amino-acid change (valine 2261 retained).
Molecular consequence: no sequence alteration.
Genome position: GRCh38 VCF-style: chr2-215370366-C-C. GRCh37 (hg19) VCF-style: chr2-216235089-C-C.
Other names: c.6688=, p.Val2230= (NM_001306129.2); c.6151=, p.Val2051= (NM_001306130.2); c.6145=, p.Val2049= (NM_001306131.2); c.6070=, p.Val2024= (NM_001306132.2); c.6511=, p.Val2171= (NM_001365517.2); c.6508=, p.Val2170= (NM_001365518.2); c.6436=, p.Val2146= (NM_001365519.2); c.6433=, p.Val2145= (NM_001365520.2); and 8 more.
Identifiers: ClinVar variation 2854450 (VCV002854450.3).